The following is an entry in ClinVar:

ClinVar aggregate classification (germline): Uncertain significance (1 of 4 stars; one submission).

Conditions:
Cardiovascular phenotype. Identifiers: MedGen CN230736.

gnomAD v4.1: 1 of 1,613,522 alleles (0.000062%); highest among the groups gnomAD compares: East Asian, 0.0022%; no homozygotes.

Submission:

Ambry Genetics
Classification: Uncertain significance for Cardiovascular phenotype. Last evaluated: 2024-05-19. Review status: criteria provided, single submitter. Criteria: Ambry Variant Classification Scheme 2023. Collection method: clinical testing. Allele origin: germline.
Comment: The p.R422L variant (also known as c.1265G>T), located in coding exon 5 of the ALPK3 gene, results from a G to T substitution at nucleotide position 1265. The arginine at codon 422 is replaced by leucine, an amino acid with dissimilar properties. This amino acid position is conserved. In addition, the in silico prediction for this alteration is inconclusive. Based on the available evidence, the clinical significance of this variant remains unclear.

NM_020778.5(ALPK3):c.659G>T (p.Arg220Leu)

Gene: ALPK3 (alpha kinase 3; plus strand). Cytogenetic location: 15q25.3.
Variant type: single nucleotide variant.
Coding change: c.659G>T on transcript NM_020778.5 (MANE Select); coding-DNA position 659, G replaced by T.
Protein change: p.Arg220Leu; replaces arginine 220 with leucine.
Molecular consequence: missense variant.
Genome position (GRCh38, 1-based): chr15:84,839,938, G>T. VCF-style: chr15-84839938-G-T. GRCh37 (hg19) VCF-style: chr15-85383169-G-T.
Other names: short protein forms R220L.
Identifiers: ClinVar variation 3291676 (VCV003291676.1).